The following is an entry in ClinVar:

ClinVar aggregate classification (germline): Uncertain significance (1 of 4 stars; one submission).

Allele frequency attached by ClinVar (database versions not stated): gnomAD exomes below 0.00001.
gnomAD v4.1: 1 of 1,569,974 alleles (0.000064%); highest among the groups gnomAD compares: Non-Finnish European, 0.000086%; no homozygotes.

Submission:

GeneDx
Classification: Uncertain significance. Last evaluated: 2019-06-07. Review status: criteria provided, single submitter. Criteria: GeneDx Variant Classification Process June 2021. Collection method: clinical testing. Allele origin: germline. Affected: yes.
Comment: Not observed in large population cohorts (Lek et al., 2016); In silico analysis, which includes protein predictors and evolutionary conservation, supports a deleterious effect; Has not been previously published as pathogenic or benign to our knowledge

NM_018129.4(PNPO):c.104G>A (p.Gly35Glu)

Gene: PNPO (pyridoxamine 5'-phosphate oxidase; plus strand). Cytogenetic location: 17q21.32.
Variant type: single nucleotide variant.
Coding change: c.104G>A on transcript NM_018129.4 (MANE Select); coding-DNA position 104, G replaced by A.
Protein change: p.Gly35Glu; replaces glycine 35 with glutamic acid.
Molecular consequence: missense variant.
Genome position (GRCh38, 1-based): chr17:47,941,779, G>A. VCF-style: chr17-47941779-G-A. GRCh37 (hg19) VCF-style: chr17-46019145-G-A.
Other names: short protein forms G35E.
Identifiers: ClinVar variation 1302980 (VCV001302980.2), dbSNP rs1299097842, ClinGen allele CA400055090.